The following is an entry in ClinVar:

ClinVar aggregate classification (germline): Uncertain significance (1 of 4 stars; one submission).

Submission:

CeGaT Center for Human Genetics Tuebingen
Classification: Uncertain significance. Last evaluated: 2022-04-01. Review status: criteria provided, single submitter. Criteria: CeGaT Center For Human Genetics Tuebingen Variant Classification Criteria Version 2. Collection method: clinical testing. Allele origin: germline. Affected: yes. Observed: 1 variant allele.
Comment: EPB41L1: PM2

NM_012156.2(EPB41L1):c.1732_1733del (p.Glu577_Ser578insTer)

Gene: EPB41L1 (erythrocyte membrane protein band 4.1 like 1; plus strand). Cytogenetic location: 20q11.23.
Variant type: Microsatellite.
Coding change: c.1732_1733del on transcript NM_012156.2 (MANE Select); coding-DNA positions 1732 to 1733, 2 bases deleted (AG; older notation c.1732_1733delAG).
Protein change: p.Glu577_Ser578insTer.
Molecular consequence: nonsense. On other transcripts: intron variant (20).
Genome position (GRCh38, 1-based): chr20:36,209,551-36,209,552, AG deleted; deleting any 2 consecutive bases within chr20:36,209,547-36,209,552 gives the same sequence; the c. name uses the placement nearest the transcript's 3' end. VCF-style (leftmost placement, unchanged base first): chr20-36209546-CAG-C. GRCh37 (hg19) VCF-style: chr20-34797468-CAG-C.
Other names: c.1510_1511del, p.Glu503_Ser504insTer (NM_001424394.1, NM_001424406.1, NM_001424407.1 and 4 more transcripts); c.1693_1694del, p.Glu564_Ser565insTer (NM_001424395.1, NM_001424398.1, NM_001424399.1); c.1696_1697del, p.Glu565_Ser566insTer (NM_001424396.1, NM_001424400.1, NM_001424401.1); c.1732_1733del, p.Glu577_Ser578insTer (NM_001424397.1, NM_001258329.1); c.1729_1730del, p.Glu576_Ser577insTer (NM_001424402.1); c.1540-2725AG[2] (NM_001258330.1); c.1447-2725AG[2] (NM_001424405.1, NM_001424404.1, NM_001424403.1 and 4 more transcripts); c.1669-2725AG[2] (NM_001424384.1); and 5 more.
Identifiers: ClinVar variation 2652297 (VCV002652297.24), dbSNP rs2516714844, ClinGen allele CA2695201397.